The following is an entry in ClinVar:

ClinVar aggregate classification (germline): Likely pathogenic (1 of 4 stars; one submission).

Conditions:
Hereditary cancer-predisposing syndrome. Also called: Neoplastic Syndromes, Hereditary; Tumor predisposition; Hereditary neoplastic syndrome; Hereditary Cancer Syndrome. Identifiers: Orphanet 140162, MedGen C0027672, MeSH D009386, MONDO:0015356.

Submission:

Ambry Genetics
Classification: Likely pathogenic for Hereditary cancer-predisposing syndrome. Last evaluated: 2026-07-30. Review status: criteria provided, single submitter. Criteria: Ambry Variant Classification Scheme 2023. Collection method: clinical testing. Allele origin: germline.
Comment: The p.R241G variant (also known as c.721C>G), located in coding exon 9 of the MUTYH gene, results from a C to G substitution at nucleotide position 721. The arginine at codon 241 is replaced by glycine, an amino acid with dissimilar properties. In a massively parallel cell-based functional assay testing 7,8-dihydro-8-oxoguanine:adenine (8OG:A) repair activity, a byproduct of oxidative damage, this variant was reported to be non-functional (Hemker SL et al. Am J Hum Genet, 2025 Sep;112:2010-2026). Other variant(s) at the same codon, p.R241W c.721C>T, have been identified in individual(s) with features consistent with MUTYH-associated polyposis (MAP) (Ambry internal data). This amino acid position is highly conserved in available vertebrate species. In addition, this alteration is predicted to be deleterious by in silico analysis. This variant is considered to be rare based on population cohorts in the Genome Aggregation Database (gnomAD). Based on the majority of available evidence to date, this variant is likely to be pathogenic.

Literature cited by the submitters: PubMed 40738107.

NM_001048174.2(MUTYH):c.637C>G (p.Arg213Gly)

Gene: MUTYH (mutY DNA glycosylase; minus strand). Cytogenetic location: 1p34.1.
Variant type: single nucleotide variant.
Coding change: c.637C>G on transcript NM_001048174.2 (MANE Select); coding-DNA position 637, C replaced by G.
Protein change: p.Arg213Gly; replaces arginine 213 with glycine.
Molecular consequence: missense variant. On other transcripts: non-coding transcript variant (7).
Genome position (GRCh38, 1-based): chr1:45,332,458, G>C on the plus strand (C>G on the coding strand, the complement: MUTYH is on the minus strand). VCF-style: chr1-45332458-G-C. GRCh37 (hg19) VCF-style: chr1-45798130-G-C.
Other names: c.670C>G, p.Arg224Gly (NM_001407077.1, NM_001407069.1, NM_001293191.2); c.640C>G, p.Arg214Gly (NM_001407078.1, NM_001407086.1, NM_001407071.1 and 1 more transcripts); c.598C>G, p.Arg200Gly (NM_001407079.1); c.595C>G, p.Arg199Gly (NM_001407080.1); c.637C>G, p.Arg213Gly (NM_001407081.1, NM_001407070.1, NM_001407072.1 and 6 more transcripts); c.292C>G, p.Arg98Gly (NM_001407082.1, NM_001350650.2, NM_001350651.2); c.679C>G, p.Arg227Gly (NM_001407083.1, NM_001407085.1); c.658C>G, p.Arg220Gly (NM_001407087.1); and 5 more; short protein forms R200G, R227G, R238G, R185G, R199G, R98G, R213G, R224G.
Identifiers: ClinVar variation 5025001 (VCV005025001.1).